The following is an entry in ClinVar:

NM_005732.4(RAD50):c.2922G>A (p.Lys974=)

Gene: RAD50 (RAD50 double strand break repair protein; plus strand). Cytogenetic location: 5q31.1.
Variant type: single nucleotide variant.
Coding change: c.2922G>A on transcript NM_005732.4 (MANE Select); coding-DNA position 2922, G replaced by A.
Protein change: p.Lys974=; no amino-acid change (lysine 974 retained).
Molecular consequence: synonymous variant.
Genome position (GRCh38, 1-based): chr5:132,609,209, G>A. VCF-style: chr5-132609209-G-A. GRCh37 (hg19) VCF-style: chr5-131944901-G-A.
Identifiers: ClinVar variation 1511656 (VCV001511656.6), dbSNP rs1751040039, ClinGen allele CA446495278.

ClinVar aggregate classification (germline): Uncertain significance (1 of 4 stars; one submission).

Conditions:
Hereditary cancer-predisposing syndrome. Also called: Hereditary neoplastic syndrome; Neoplastic Syndromes, Hereditary; Tumor predisposition; Hereditary Cancer Syndrome. Identifiers: Orphanet 140162, MedGen C0027672, MeSH D009386, MONDO:0015356.

Allele frequency attached by ClinVar (database versions not stated): gnomAD exomes below 0.00001.
gnomAD v4.1: 1 of 1,610,106 alleles (0.000062%); highest among the groups gnomAD compares: South Asian, 0.0011%; no homozygotes.

Submission:

Labcorp Genetics (formerly Invitae), Labcorp
Classification: Uncertain significance for Hereditary cancer-predisposing syndrome. Last evaluated: 2021-08-10. Review status: criteria provided, single submitter. Criteria: Invitae Variant Classification Sherloc (09022015). Collection method: clinical testing. Allele origin: germline.
Comment: In summary, the available evidence is currently insufficient to determine the role of this variant in disease. Therefore, it has been classified as a Variant of Uncertain Significance. Variants that disrupt the consensus splice site are a relatively common cause of aberrant splicing (PMID: 17576681, 9536098). Algorithms developed to predict the effect of sequence changes on RNA splicing suggest that this variant may disrupt the consensus splice site. This variant has not been reported in the literature in individuals affected with RAD50-related conditions. This variant is not present in population databases (ExAC no frequency). This sequence change affects codon 974 of the RAD50 mRNA. It is a 'silent' change, meaning that it does not change the encoded amino acid sequence of the RAD50 protein. This variant also falls at the last nucleotide of exon 18, which is part of the consensus splice site for this exon.

Literature cited by the submitters: PubMed 17576681; PubMed 9536098.